The following is an entry in ClinVar:

NM_021954.4(GJA3):c.547C>T (p.Arg183Cys)

Gene: GJA3 (gap junction protein alpha 3; minus strand). Cytogenetic location: 13q12.11.
Variant type: single nucleotide variant.
Coding change: c.547C>T on transcript NM_021954.4 (MANE Select); coding-DNA position 547, C replaced by T.
Protein change: p.Arg183Cys; replaces arginine 183 with cysteine.
Molecular consequence: missense variant.
Genome position (GRCh38, 1-based): chr13:20,142,742, G>A on the plus strand (C>T on the coding strand, the complement: GJA3 is on the minus strand). VCF-style: chr13-20142742-G-A. GRCh37 (hg19) VCF-style: chr13-20716881-G-A.
Other names: short protein forms R183C.
Identifiers: ClinVar variation 4801996 (VCV004801996.1).

ClinVar aggregate classification (germline): Uncertain significance (1 of 4 stars; one submission).

Conditions:
Cataract 14 multiple types. Also called: CATARACT 14, ZONULAR PULVERULENT; CATARACT 14, NUCLEAR PULVERULENT; CATARACT 14, NUCLEAR PULVERULENT AND POSTERIOR POLAR; CATARACT 14, NUCLEAR CORALLIFORM; CATARACT 14, EMBRYONAL NUCLEAR; CATARACT 14, COPPOCK-LIKE. Identifiers: Orphanet 91492, MedGen C1866078, MONDO:0011162, OMIM 601885.

gnomAD v4.1: 3 of 1,613,674 alleles (0.00019%); highest among the groups gnomAD compares: Non-Finnish European, 0.00025%; no homozygotes.

Submission:

Labcorp Genetics (formerly Invitae), Labcorp
Classification: Uncertain significance for Cataract 14 multiple types. Last evaluated: 2025-09-21. Review status: criteria provided, single submitter. Criteria: Invitae Variant Classification Sherloc (09022015). Collection method: clinical testing. Allele origin: germline.
Comment: This sequence change replaces arginine, which is basic and polar, with cysteine, which is neutral and slightly polar, at codon 183 of the GJA3 protein (p.Arg183Cys). This variant is not present in population databases (gnomAD no frequency). This variant has not been reported in the literature in individuals affected with GJA3-related conditions. Invitae Evidence Modeling of protein sequence and biophysical properties (such as structural, functional, and spatial information, amino acid conservation, physicochemical variation, residue mobility, and thermodynamic stability) indicates that this missense variant is expected to disrupt GJA3 protein function with a positive predictive value of 95%. In summary, the available evidence is currently insufficient to determine the role of this variant in disease. Therefore, it has been classified as a Variant of Uncertain Significance.